The following is an entry in ClinVar:

NM_005343.4(HRAS):c.291-9A>G

Genes: HRAS (HRas proto-oncogene, GTPase; minus strand), LRRC56 (leucine rich repeat containing 56; plus strand). Cytogenetic location: 11p15.5.
Variant type: single nucleotide variant.
Coding change: c.291-9A>G on transcript NM_005343.4 (MANE Select); 9 bases into the intron before coding-DNA position 291, A replaced by G.
Molecular consequence: intron variant.
Genome position (GRCh38, 1-based): chr11:533,621, T>C on the plus strand (A>G on the coding strand, the complement: HRAS is on the minus strand). VCF-style: chr11-533621-T-C. GRCh37 (hg19) VCF-style: chr11-533621-T-C.
Other names: c.291-9A>G (NM_001130442.3, NM_176795.5); c.-29-9A>G (NM_001318054.2).
Identifiers: ClinVar variation 633268 (VCV000633268.14), dbSNP rs1564789180, ClinGen allele CA913190224.

ClinVar aggregate classification (germline): Likely benign. Review status: criteria provided, multiple submitters, no conflicts (2 of 4 stars). 2 submissions from 2 submitters: Likely benign (2). Last evaluated 2025-01-08.

Conditions:
Costello syndrome (CSTLO). Also called: HRAS-Related Costello Syndrome; FCS SYNDROME; FACIOCUTANEOSKELETAL SYNDROME. Identifiers: Orphanet 3071, MedGen C0587248, MONDO:0009026, OMIM 218040.

Allele frequency attached by ClinVar (database versions not stated): TOPMed below 0.00001.
gnomAD v4.1: 1 of 1,613,390 alleles (0.000062%); no homozygotes.

Submissions (2):

Women's Health and Genetics/Laboratory Corporation of America, LabCorp
Classification: Likely benign. Last evaluated: 2025-01-08. Review status: criteria provided, single submitter. Criteria: LabCorp Variant Classification Summary - May 2015. Collection method: clinical testing. Allele origin: germline.
Comment: Variant summary: HRAS c.291-9A>G alters a nucleotide located at a position not widely known to affect splicing. Consensus agreement among computation tools predict no significant impact on normal splicing. However, these predictions have yet to be confirmed by functional studies. The variant was absent in 251300 control chromosomes. The available data on variant occurrences in the general population are insufficient to allow any conclusion about variant significance. To our knowledge, no occurrence of c.291-9A>G in individuals affected with Costello Syndrome and no experimental evidence demonstrating its impact on protein function have been reported. ClinVar contains an entry for this variant (Variation ID: 633268). Based on the evidence outlined above, the variant was classified as likely benign.

Labcorp Genetics (formerly Invitae), Labcorp
Classification: Likely benign for Costello syndrome. Last evaluated: 2024-04-15. Review status: criteria provided, single submitter. Criteria: Invitae Variant Classification Sherloc (09022015). Collection method: clinical testing. Allele origin: germline.